The following is an entry in ClinVar:

ClinVar aggregate classification (germline): Uncertain significance. Review status: criteria provided, multiple submitters, no conflicts (2 of 4 stars). 2 submissions from 2 submitters: Uncertain significance (2). Last evaluated 2024-03-19.

Allele frequency attached by ClinVar (database versions not stated): gnomAD 0.00001; gnomAD exomes 0.00001.

Submissions (2):

Ambry Genetics
Classification: Uncertain significance. Last evaluated: 2024-03-19. Review status: criteria provided, single submitter. Criteria: Ambry Variant Classification Scheme 2023. Collection method: clinical testing. Allele origin: germline.

Labcorp Genetics (formerly Invitae), Labcorp
Classification: Uncertain significance. Last evaluated: 2023-09-19. Review status: criteria provided, single submitter. Criteria: Invitae Variant Classification Sherloc (09022015). Collection method: clinical testing. Allele origin: germline.
Comment: In summary, the available evidence is currently insufficient to determine the role of this variant in disease. Therefore, it has been classified as a Variant of Uncertain Significance. Algorithms developed to predict the effect of missense changes on protein structure and function output the following: SIFT: "Not Available"; PolyPhen-2: "Benign"; Align-GVGD: "Not Available". The asparagine amino acid residue is found in multiple mammalian species, which suggests that this missense change does not adversely affect protein function. This variant has not been reported in the literature in individuals affected with FCHO1-related conditions. This variant is present in population databases (no rsID available, gnomAD 0.002%). This sequence change replaces aspartic acid, which is acidic and polar, with asparagine, which is neutral and polar, at codon 313 of the FCHO1 protein (p.Asp313Asn).

NM_015122.3(FCHO1):c.937G>A (p.Asp313Asn)

Gene: FCHO1 (FCH and mu domain containing endocytic adaptor 1; plus strand). Cytogenetic location: 19p13.11.
Variant type: single nucleotide variant.
Coding change: c.937G>A on transcript NM_015122.3 (MANE Select); coding-DNA position 937, G replaced by A.
Protein change: p.Asp313Asn; replaces aspartic acid 313 with asparagine.
Molecular consequence: missense variant. On other transcripts: non-coding transcript variant (36).
Genome position (GRCh38, 1-based): chr19:17,775,072, G>A. VCF-style: chr19-17775072-G-A. GRCh37 (hg19) VCF-style: chr19-17885881-G-A.
Other names: c.937G>A, p.Asp313Asn (NM_001161357.2, NM_001161358.2, NM_001384370.1 and 25 more transcripts); c.787G>A, p.Asp263Asn (NM_001161359.2, NM_001384384.1, NM_001384385.1 and 3 more transcripts); c.898G>A, p.Asp300Asn (NM_001384388.1, NM_001384389.1, NM_001384405.1); c.862G>A, p.Asp288Asn (NM_001384390.1); c.892G>A, p.Asp298Asn (NM_001384403.1); c.937G>A (NM_001161357.1); short protein forms D313N, D288N, D298N, D263N, D300N.
Identifiers: ClinVar variation 2988149 (VCV002988149.2), dbSNP rs1362182882, ClinGen allele CA404750806.